The following is an entry in ClinVar:

ClinVar aggregate classification (germline): Uncertain significance. Review status: criteria provided, multiple submitters, no conflicts (2 of 4 stars). 2 submissions from 2 submitters: Uncertain significance (2). Last evaluated 2023-02-06.

gnomAD v4.1: 5 of 1,613,570 alleles (0.00031%); highest among the groups gnomAD compares: Non-Finnish European, 0.00042%; no homozygotes.

Submissions (2):

Mayo Clinic Laboratories, Mayo Clinic
Classification: Uncertain significance. Last evaluated: 2023-02-06. Review status: criteria provided, single submitter. Criteria: ACMG Guidelines, 2015. Collection method: clinical testing. Allele origin: germline. Observed: 1 variant allele.
Comment: PM2

Ambry Genetics
Classification: Uncertain significance. Last evaluated: 2020-01-13. Review status: criteria provided, single submitter. Criteria: Ambry Variant Classification Scheme 2023. Collection method: clinical testing. Allele origin: germline.
Comment: The p.V885L variant (also known as c.2653G>T), located in coding exon 24 of the IKBKAP gene, results from a G to T substitution at nucleotide position 2653. The valine at codon 885 is replaced by leucine, an amino acid with highly similar properties. This amino acid position is highly conserved in available vertebrate species. In addition, this alteration is predicted to be deleterious by in silico analysis. Since supporting evidence is limited at this time, the clinical significance of this alteration remains unclear.

NM_003640.5(ELP1):c.2653G>T (p.Val885Leu)

Gene: ELP1 (elongator acetyltransferase complex subunit 1; minus strand). Cytogenetic location: 9q31.3.
Variant type: single nucleotide variant.
Coding change: c.2653G>T on transcript NM_003640.5 (MANE Select); coding-DNA position 2653, G replaced by T.
Protein change: p.Val885Leu; replaces valine 885 with leucine.
Molecular consequence: missense variant.
Genome position (GRCh38, 1-based): chr9:108,896,579, C>A on the plus strand (G>T on the coding strand, the complement: ELP1 is on the minus strand). VCF-style: chr9-108896579-C-A. GRCh37 (hg19) VCF-style: chr9-111658859-C-A.
Other names: p.Val885Leu; c.2311G>T, p.Val771Leu (NM_001318360.2); c.1606G>T, p.Val536Leu (NM_001330749.2); short protein forms V536L, V771L, V885L.
Identifiers: ClinVar variation 1800164 (VCV001800164.3), dbSNP rs1169441555, ClinGen allele CA374419961.
Genomic context (GRCh38, chr9:108,896,579, plus strand): 5'-TGAGGACCAAATCAAAGTCATAGGTGCCAAGAGAATGATCATATAATTCATTAACATCTA[C>A]CAGATGCAGCAAATATTTCAAGGCCTCTTCAGCACTCACAGCATCAGGATCAGAGGGAGC-3'
Protein context (NP_003631.2, residues 875-895): EEALKYLLHL[Val885Leu]DVNELYDHSL